The following is an entry in ClinVar:

NM_003119.4(SPG7):c.1324+10C>T

Gene: SPG7 (SPG7 matrix AAA peptidase subunit, paraplegin; plus strand). Cytogenetic location: 16q24.3.
Variant type: single nucleotide variant.
Coding change: c.1324+10C>T on transcript NM_003119.4 (MANE Select); 10 bases into the intron after coding-DNA position 1324, C replaced by T.
Molecular consequence: intron variant.
Genome position (GRCh38, 1-based): chr16:89,532,646, C>T. VCF-style: chr16-89532646-C-T. GRCh37 (hg19) VCF-style: chr16-89599054-C-T.
Other names: p.?; c.1324+10C>T (NM_001363850.1, NM_199367.3).
Identifiers: ClinVar variation 139240 (VCV000139240.24), dbSNP rs202070075, ClinGen allele CA293666.

ClinVar aggregate classification (germline): Conflicting classifications of pathogenicity. Review status: criteria provided, conflicting classifications (1 of 4 stars). 8 submissions from 8 submitters: Uncertain significance (1); Benign (3); Likely benign (4). Last evaluated 2026-01-09.

Conditions:
Hereditary spastic paraplegia. Also called: Familial spastic paraparesis. Identifiers: Orphanet 685, MedGen C0037773, MONDO:0019064. Disease mechanism: loss of function.
Hereditary spastic paraplegia 7 (SPG7). Also called: SPG7-related neurologic disorder; Spastic paraplegia 7; Hereditary spastic paraplegia Paraplegin type; Autosomal recessive spastic paraplegia type 7; SPASTIC PARAPLEGIA 7, AUTOSOMAL RECESSIVE, WITH OR WITHOUT CEREBELLAR ATAXIA. Identifiers: Orphanet 99013, MedGen C1846564, MONDO:0011803, OMIM 607259.

Allele frequency attached by ClinVar (database versions not stated): gnomAD 0.00073 and 0.00074; ESP Exome Variant Server 0.00085; ExAC 0.00094; TOPMed 0.00098; gnomAD exomes 0.00109; 1000 Genomes Project 0.00040; 1000 Genomes Project 30x 0.00047.
gnomAD v4.1: 1,022 of 1,612,998 alleles (0.063%); highest among the groups gnomAD compares: Middle Eastern, 0.4%; 5 homozygotes.

Submissions (8):

Labcorp Genetics (formerly Invitae), Labcorp
Classification: Likely benign for Hereditary spastic paraplegia 7. Last evaluated: 2026-01-09. Review status: criteria provided, single submitter. Criteria: Invitae Variant Classification Sherloc (09022015). Collection method: clinical testing. Allele origin: germline.

Blueprint Genetics
Classification: Likely benign. Last evaluated: 2024-10-30. Review status: criteria provided, single submitter. Criteria: ACMG Guidelines, 2015. Collection method: clinical testing. Allele origin: germline.

Mayo Clinic Laboratories, Mayo Clinic
Classification: Benign. Last evaluated: 2023-12-12. Review status: criteria provided, single submitter. Criteria: ACMG Guidelines, 2015. Collection method: clinical testing. Allele origin: germline. Observed: 6 variant alleles.
Comment: BS1, BS2, BP4

Athena Diagnostics
Classification: Benign. Last evaluated: 2018-02-15. Review status: criteria provided, single submitter. Criteria: Athena Diagnostics Criteria. Collection method: clinical testing. Allele origin: germline.

Illumina Laboratory Services, Illumina
Classification: Uncertain significance for Hereditary spastic paraplegia 7. Last evaluated: 2018-01-12. Review status: criteria provided, single submitter. Criteria: ICSL Variant Classification Criteria 13 December 2019. Collection method: clinical testing. Allele origin: germline.

Genome Diagnostics Laboratory, The Hospital for Sick Children
Classification: Likely benign for Hereditary spastic paraplegia. Last evaluated: 2016-12-12. Review status: criteria provided, single submitter. Criteria: ACMG Guidelines, 2015. Collection method: clinical testing. Allele origin: germline. Affected: yes.

Eurofins Ntd Llc (ga)
Classification: Likely benign. Last evaluated: 2016-11-21. Review status: criteria provided, single submitter. Criteria: EGL Classification Definitions 2015. Collection method: clinical testing. Allele origin: germline. Observed: 1 variant allele, 1 heterozygote.

GeneDx
Classification: Benign. Last evaluated: 2014-03-13. Review status: criteria provided, single submitter. Criteria: GeneDx Variant Classification (06012015). Collection method: clinical testing. Allele origin: germline. Affected: yes.
Comment: This variant is considered likely benign or benign based on one or more of the following criteria: it is a conservative change, it occurs at a poorly conserved position in the protein, it is predicted to be benign by multiple in silico algorithms, and/or has population frequency not consistent with disease.